The following is an entry in ClinVar:

NM_144997.7(FLCN):c.1477C>T (p.Gln493Ter)

Gene: FLCN (folliculin; minus strand). Cytogenetic location: 17p11.2.
Variant type: single nucleotide variant.
Coding change: c.1477C>T on transcript NM_144997.7 (MANE Select); coding-DNA position 1477, C replaced by T.
Protein change: p.Gln493Ter; replaces glutamine 493 with a stop codon.
Molecular consequence: nonsense.
Genome position (GRCh38, 1-based): chr17:17,215,046, G>A on the plus strand (C>T on the coding strand, the complement: FLCN is on the minus strand). VCF-style: chr17-17215046-G-A. GRCh37 (hg19) VCF-style: chr17-17118360-G-A.
Other names: c.1531C>T, p.Gln511Ter (NM_001353229.2); c.1477C>T, p.Gln493Ter (NM_001353230.2, NM_001353231.2); short protein forms Q493*, Q511*.
Identifiers: ClinVar variation 1071832 (VCV001071832.7), dbSNP rs2144832772, ClinGen allele CA398530908.

ClinVar aggregate classification (germline): Pathogenic. Review status: criteria provided, multiple submitters, no conflicts (2 of 4 stars). 2 submissions from 2 submitters: Pathogenic (2). Last evaluated 2020-10-22.

Conditions:
Birt-Hogg-Dube syndrome. Also called: Birt Hogg Dubé syndrome. Identifiers: Orphanet 122, MedGen C0346010, MONDO:0800444.
Hereditary cancer-predisposing syndrome. Also called: Tumor predisposition; Neoplastic Syndromes, Hereditary; Hereditary neoplastic syndrome; Hereditary Cancer Syndrome. Identifiers: Orphanet 140162, MedGen C0027672, MeSH D009386, MONDO:0015356.

Submissions (2):

Ambry Genetics
Classification: Pathogenic for Hereditary cancer-predisposing syndrome. Last evaluated: 2020-10-22. Review status: criteria provided, single submitter. Criteria: Ambry Variant Classification Scheme 2023. Collection method: clinical testing. Allele origin: germline.
Comment: The p.Q493* pathogenic mutation (also known as c.1477C>T), located in coding exon 10 of the FLCN gene, results from a C to T substitution at nucleotide position 1477. This changes the amino acid from a glutamine to a stop codon within coding exon 10. This alteration is expected to result in loss of function by premature protein truncation or nonsense-mediated mRNA decay. As such, this alteration is interpreted as a disease-causing mutation.

Labcorp Genetics (formerly Invitae), Labcorp
Classification: Pathogenic for Birt-Hogg-Dube syndrome. Last evaluated: 2020-08-06. Review status: criteria provided, single submitter. Criteria: Invitae Variant Classification Sherloc (09022015). Collection method: clinical testing. Allele origin: germline.
Comment: For these reasons, this variant has been classified as Pathogenic. Loss-of-function variants in FLCN are known to be pathogenic (PMID: 15852235). This variant has not been reported in the literature in individuals with FLCN-related conditions. This variant is not present in population databases (ExAC no frequency). This sequence change creates a premature translational stop signal (p.Gln493*) in the FLCN gene. It is expected to result in an absent or disrupted protein product.

Literature cited by the submitters: PubMed 15852235 (cited by Labcorp Genetics (formerly Invitae), Labcorp).